The following is an entry in ClinVar:

ClinVar aggregate classification (germline): Uncertain significance. Review status: criteria provided, single submitter (1 of 4 stars). 2 submissions from 2 submitters: Uncertain significance (1). 1 of the submissions does not count toward it. Last evaluated 2026-01-12.

Conditions:
SMAD2-related disorder. Also called: SMAD2-related condition; SMAD2-related disorders.
Inborn genetic diseases. Identifiers: MedGen C0950123, MeSH D030342.

Submissions (2):

Ambry Genetics
Classification: Uncertain significance for Inborn genetic diseases. Last evaluated: 2026-01-12. Review status: criteria provided, single submitter. Criteria: Ambry Variant Classification Scheme 2023. Collection method: clinical testing. Allele origin: germline.
Comment: The p.A323V variant (also known as c.968C>T), located in coding exon 7 of the SMAD2 gene, results from a C to T substitution at nucleotide position 968. The alanine at codon 323 is replaced by valine, an amino acid with similar properties. This amino acid position is conserved. In addition, the in silico prediction for this alteration is inconclusive. Based on the available evidence, the clinical significance of this variant remains unclear.

PreventionGenetics, part of Exact Sciences
Classification: Uncertain significance for SMAD2-related condition. Last evaluated: 2024-08-14. Review status: no assertion criteria provided. Collection method: clinical testing. Allele origin: germline. Not counted in ClinVar's aggregate classification.
Comment: The SMAD2 c.968C>T variant is predicted to result in the amino acid substitution p.Ala323Val. To our knowledge, this variant has not been reported in the literature or in a large population database, indicating this variant is rare. At this time, the clinical significance of this variant is uncertain due to the absence of conclusive functional and genetic evidence.

NM_005901.6(SMAD2):c.968C>T (p.Ala323Val)

Gene: SMAD2 (SMAD family member 2; minus strand). Cytogenetic location: 18q21.1.
Variant type: single nucleotide variant.
Coding change: c.968C>T on transcript NM_005901.6 (MANE Select); coding-DNA position 968, C replaced by T.
Protein change: p.Ala323Val; replaces alanine 323 with valine.
Molecular consequence: missense variant.
Genome position (GRCh38, 1-based): chr18:47,848,504, G>A on the plus strand (C>T on the coding strand, the complement: SMAD2 is on the minus strand). VCF-style: chr18-47848504-G-A. GRCh37 (hg19) VCF-style: chr18-45374875-G-A.
Other names: c.968C>T (NM_005901.4); c.968C>T, p.Ala323Val (NM_001003652.4); c.878C>T, p.Ala293Val (NM_001135937.3); short protein forms A293V, A323V.
Identifiers: ClinVar variation 3345667 (VCV003345667.2).